The following continues an entry in ClinVar:

NM_000540.3(RYR1):c.7076G>A (p.Arg2359Gln)

Gene: RYR1. ClinVar aggregate classification (germline): Likely pathogenic. Likely pathogenic (1).

Submissions 9 to 11 of 11:

Color Diagnostics, LLC DBA Color Health
Classification: Likely pathogenic for Malignant hyperthermia, susceptibility to, 1. Last evaluated: 2024-02-12. Review status: criteria provided, single submitter. Criteria: ACMG Guidelines, 2015. Collection method: clinical testing. Allele origin: germline. Not counted in ClinVar's aggregate classification.
Comment: This missense variant replaces arginine with glutamine at codon 2359 of the RYR1 protein. Computational prediction suggests that this variant may have deleterious impact on protein structure and function. Although functional studies have not been reported for this variant, it occurs in a region of the RYR1 protein that is considered to be a hotspot for pathogenic variants that contribute to malignant hyperthermia susceptibility (PMID: 21118704). This variant has been reported in individuals affected with malignant hyperthermia susceptibility (PMID: 24433488, 30236257). This variant has been identified in 2/239250 chromosomes in the general population by the Genome Aggregation Database (gnomAD). Based on the available evidence, this variant is classified as Likely Pathogenic.

PreventionGenetics, part of Exact Sciences
Classification: Likely pathogenic for RYR1-related condition. Last evaluated: 2022-11-10. Review status: criteria provided, single submitter. Criteria: ACMG Guidelines, 2015. Collection method: clinical testing. Allele origin: germline. Not counted in ClinVar's aggregate classification.
Comment: The RYR1 c.7076G>A variant is predicted to result in the amino acid substitution p.Arg2359Gln. This variant has been reported in two unrelated individuals that had malignant hyperthermia episodes and also positive in vitro contracture tests (Klingler et al. 2014. PubMed ID: 24433488; Table S1 - Miller et al. 2018. PubMed ID: 30236257). A different amino acid substitution (p.Arg2359Trp) has also been observed in an individual with malignant hyperthermia (Dekomien et al. 2005. PubMed ID: 16521286). An expert ClinGen curation panel has interpreted this variant as likely pathogenic in relation to autosomal dominant malignant hyperthermia. This variant is reported in 0.010% of alleles in individuals of Ashkenazi Jewish descent in gnomAD. We interpret this variant as likely pathogenic for malignant hyperthermia. To our knowledge, this variant has not been reported in patients with RYR1-related myopathies and it is uncertain if this variant could contribute to a myopathy phenotype. Some malignant hyperthermia variants in the presence of a second RYR1 variant have been reported in cases of autosomal recessive RYR1-related myopathy.

Juno Genomics, Hangzhou Juno Genomics, Inc
Classification: Likely pathogenic for Malignant hyperthermia, susceptibility to, 1. Review status: criteria provided, single submitter. Criteria: ACMG Guidelines, 2015. Collection method: clinical testing. Allele origin: germline. Not counted in ClinVar's aggregate classification.
Comment: Multiple lines of computational evidence support a deleterious effect on the gene or gene product.;Located in a mutational hot spot and/or critical and well-established functional domain without benign variation.;The prevalence of the variant in affected individuals is significantly increased compared to the prevalence in controls.

Literature cited by the submitters: PubMed 24433488 (cited by 5 submitters); PubMed 30236257 (cited by 5 submitters); PubMed 32153140 (cited by Women's Health and Genetics/Laboratory Corporation of America, LabCorp); PubMed 37781817 (cited by Women's Health and Genetics/Laboratory Corporation of America, LabCorp); PubMed 21118704 (cited by All of Us Research Program, National Institutes of Health and Color Diagnostics, LLC DBA Color Health).